The following is an entry in ClinVar:

ClinVar aggregate classification (germline): Uncertain significance (1 of 4 stars; one submission).

Allele frequency attached by ClinVar (database versions not stated): gnomAD 0.00001.
gnomAD v4.1: 1 of 1,612,888 alleles (0.000062%); highest among the groups gnomAD compares: African/African-American, 0.0013%; no homozygotes.

Submission:

Ambry Genetics
Classification: Uncertain significance. Last evaluated: 2021-11-30. Review status: criteria provided, single submitter. Criteria: Ambry Variant Classification Scheme 2023. Collection method: clinical testing. Allele origin: germline.
Comment: The p.L947R variant (also known as c.2840T>G), located in coding exon 23 of the BUB1 gene, results from a T to G substitution at nucleotide position 2840. The leucine at codon 947 is replaced by arginine, an amino acid with dissimilar properties. This amino acid position is conserved. In addition, this alteration is predicted to be deleterious by in silico analysis. Since supporting evidence is limited at this time, the clinical significance of this alteration remains unclear.

NM_004336.5(BUB1):c.2840T>G (p.Leu947Arg)

Gene: BUB1 (BUB1 mitotic checkpoint serine/threonine kinase; minus strand). Cytogenetic location: 2q13.
Variant type: single nucleotide variant.
Coding change: c.2840T>G on transcript NM_004336.5 (MANE Select); coding-DNA position 2840, T replaced by G.
Protein change: p.Leu947Arg; replaces leucine 947 with arginine.
Molecular consequence: missense variant.
Genome position (GRCh38, 1-based): chr2:110,641,149, A>C on the plus strand (T>G on the coding strand, the complement: BUB1 is on the minus strand). VCF-style: chr2-110641149-A-C. GRCh37 (hg19) VCF-style: chr2-111398726-A-C.
Other names: c.2780T>G, p.Leu927Arg (NM_001278616.2); c.2669T>G, p.Leu890Arg (NM_001278617.2); short protein forms L890R, L947R, L927R.
Identifiers: ClinVar variation 1796718 (VCV001796718.2), dbSNP rs1689492981, ClinGen allele CA348089181.